The following is an entry in ClinVar:

NM_006031.6(PCNT):c.209G>T (p.Cys70Phe)

Gene: PCNT (pericentrin; plus strand). Cytogenetic location: 21q22.3.
Variant type: single nucleotide variant.
Coding change: c.209G>T on transcript NM_006031.6 (MANE Select); coding-DNA position 209, G replaced by T.
Protein change: p.Cys70Phe; replaces cysteine 70 with phenylalanine.
Molecular consequence: missense variant. On other transcripts: 5 prime UTR variant (1).
Genome position (GRCh38, 1-based): chr21:46,326,531, G>T. VCF-style: chr21-46326531-G-T. GRCh37 (hg19) VCF-style: chr21-47746445-G-T.
Other names: c.-146G>T (NM_001315529.2); short protein forms C70F.
Identifiers: ClinVar variation 3357730 (VCV003357730.1).

ClinVar aggregate classification (germline): Uncertain significance (0 of 4 stars; one submission).

Conditions:
PCNT-related disorder. Also called: PCNT-related condition.

Submission:

PreventionGenetics, part of Exact Sciences
Classification: Uncertain significance for PCNT-related condition. Last evaluated: 2024-07-10. Review status: no assertion criteria provided. Collection method: clinical testing. Allele origin: germline.
Comment: The PCNT c.209G>T variant is predicted to result in the amino acid substitution p.Cys70Phe. To our knowledge, this variant has not been reported in the literature or in a large population database, indicating this variant is rare. At this time, the clinical significance of this variant is uncertain due to the absence of conclusive functional and genetic evidence.